The following is an entry in ClinVar:

NM_006231.4(POLE):c.3826A>G (p.Lys1276Glu)

Gene: POLE (DNA polymerase epsilon, catalytic subunit; minus strand). Cytogenetic location: 12q24.33.
Variant type: single nucleotide variant.
Coding change: c.3826A>G on transcript NM_006231.4 (MANE Select); coding-DNA position 3826, A replaced by G.
Protein change: p.Lys1276Glu; replaces lysine 1276 with glutamic acid.
Molecular consequence: missense variant.
Genome position (GRCh38, 1-based): chr12:132,649,485, T>C on the plus strand (A>G on the coding strand, the complement: POLE is on the minus strand). VCF-style: chr12-132649485-T-C. GRCh37 (hg19) VCF-style: chr12-133226071-T-C.
Other names: short protein forms K1276E.
Identifiers: ClinVar variation 5027141 (VCV005027141.1).
Genomic context (GRCh38, chr12:132,649,485, plus strand): 5'-CCAGACGCTGCCTCTTCCTGCGGGCGAGGCGCTGCCGGGCCTGCAGCTGCCACTTCTTCT[T>C]GTGGAACCGGAGCCAGACAAGCCATTCCTCCTGGGATGGATGGTGAGCACAGCCAGTGTG-3'
Protein context (NP_006222.2, residues 1266-1286): EEWLVWLRFH[Lys1276Glu]KKWQLQARQR

ClinVar aggregate classification (germline): Uncertain significance (1 of 4 stars; one submission).

Conditions:
Hereditary cancer-predisposing syndrome. Also called: Neoplastic Syndromes, Hereditary; Tumor predisposition; Hereditary neoplastic syndrome; Hereditary Cancer Syndrome. Identifiers: Orphanet 140162, MedGen C0027672, MeSH D009386, MONDO:0015356.

Submission:

Ambry Genetics
Classification: Uncertain significance for Hereditary cancer-predisposing syndrome. Last evaluated: 2026-09-14. Review status: criteria provided, single submitter. Criteria: Ambry Variant Classification Scheme 2023. Collection method: clinical testing. Allele origin: germline.
Comment: The p.K1276E variant (also known as c.3826A>G), located in coding exon 31 of the POLE gene, results from an A to G substitution at nucleotide position 3826. The lysine at codon 1276 is replaced by glutamic acid, an amino acid with similar properties. This amino acid position is conserved. In addition, the in silico prediction for this alteration is inconclusive. Based on the available evidence, the clinical significance of this variant remains unclear.